The following is an entry in ClinVar:

NM_004304.5(ALK):c.1272C>A (p.Asn424Lys)

Gene: ALK (ALK receptor tyrosine kinase; minus strand). Cytogenetic location: 2p23.2.
Variant type: single nucleotide variant.
Coding change: c.1272C>A on transcript NM_004304.5 (MANE Select); coding-DNA position 1272, C replaced by A.
Protein change: p.Asn424Lys; replaces asparagine 424 with lysine.
Molecular consequence: missense variant.
Genome position (GRCh38, 1-based): chr2:29,383,742, G>T on the plus strand (C>A on the coding strand, the complement: ALK is on the minus strand). VCF-style: chr2-29383742-G-T. GRCh37 (hg19) VCF-style: chr2-29606608-G-T.
Other names: short protein forms N424K.
Identifiers: ClinVar variation 3665832 (VCV003665832.2).
Genomic context (GRCh38, chr2:29,383,742, plus strand): 5'-ATCTAACACAATAGGCTACCAAGGAGCGTGGGAAAGCCAGATTCAGATACCTTCACTGCA[G>T]TTCTTCAGGGCAAAGAAGTCCACTGCAGACAAGCTGCGGTTTCCACTGGAGATGTATTCC-3'
Protein context (NP_004295.2, residues 414-434): LSAVDFFALK[Asn424Lys]CSEGTSPGSK

ClinVar aggregate classification (germline): Uncertain significance (1 of 4 stars; one submission).

Conditions:
Neuroblastoma, susceptibility to, 3. Also called: ALK-Related Neuroblastic Tumor Susceptibility. Identifiers: Orphanet 635, MedGen C2751681, MONDO:0013083, OMIM 613014.

gnomAD v4.1: 1 of 1,614,028 alleles (0.000062%); highest among the groups gnomAD compares: African/African-American, 0.0013%; no homozygotes.

Submission:

Labcorp Genetics (formerly Invitae), Labcorp
Classification: Uncertain significance for Neuroblastoma, susceptibility to, 3. Last evaluated: 2024-03-03. Review status: criteria provided, single submitter. Criteria: Invitae Variant Classification Sherloc (09022015). Collection method: clinical testing. Allele origin: germline.
Comment: This sequence change replaces asparagine, which is neutral and polar, with lysine, which is basic and polar, at codon 424 of the ALK protein (p.Asn424Lys). This variant is not present in population databases (gnomAD no frequency). This variant has not been reported in the literature in individuals affected with ALK-related conditions. An algorithm developed to predict the effect of missense changes on protein structure and function (PolyPhen-2) suggests that this variant is likely to be disruptive. In summary, the available evidence is currently insufficient to determine the role of this variant in disease. Therefore, it has been classified as a Variant of Uncertain Significance.